The following is an entry in ClinVar:

NM_001042681.2(RERE):c.3791T>C (p.Val1264Ala)

Gene: RERE (arginine-glutamic acid dipeptide repeats; minus strand). Cytogenetic location: 1p36.23.
Variant type: single nucleotide variant.
Coding change: c.3791T>C on transcript NM_001042681.2 (MANE Select); coding-DNA position 3791, T replaced by C.
Protein change: p.Val1264Ala; replaces valine 1264 with alanine.
Molecular consequence: missense variant.
Genome position (GRCh38, 1-based): chr1:8,358,744, A>G on the plus strand (T>C on the coding strand, the complement: RERE is on the minus strand). VCF-style: chr1-8358744-A-G. GRCh37 (hg19) VCF-style: chr1-8418804-A-G.
Other names: c.2129T>C, p.Val710Ala (NM_001042682.2); c.3791T>C, p.Val1264Ala (NM_012102.4); short protein forms V1264A, V710A.
Identifiers: ClinVar variation 2429232 (VCV002429232.2), dbSNP rs1156440201, ClinGen allele CA338169842.

ClinVar aggregate classification (germline): Uncertain significance (1 of 4 stars; one submission).

Allele frequency attached by ClinVar (database versions not stated): gnomAD 0.00001.
gnomAD v4.1: 2 of 1,609,368 alleles (0.00012%); highest among the groups gnomAD compares: African/African-American, 0.0027%; no homozygotes.

Submission:

Women's Health and Genetics/Laboratory Corporation of America, LabCorp
Classification: Uncertain significance. Last evaluated: 2023-01-18. Review status: criteria provided, single submitter. Criteria: LabCorp Variant Classification Summary - May 2015. Collection method: clinical testing. Allele origin: germline.
Comment: Variant summary: RERE c.3791T>C (p.Val1264Ala) results in a non-conservative amino acid change in the encoded protein sequence. Three of five in-silico tools predict a damaging effect of the variant on protein function. The variant allele was found at a frequency of 4e-06 in 247242 control chromosomes. The available data on variant occurrences in the general population are insufficient to allow any conclusion about variant significance. To our knowledge, no occurrence of c.3791T>C in individuals affected with Neurodevelopmental Disorder With Or Without Anomalies Of The Brain, Eye, Or Heart and no experimental evidence demonstrating its impact on protein function have been reported. No clinical diagnostic laboratories have submitted clinical-significance assessments for this variant to ClinVar after 2014. Based on the evidence outlined above, the variant was classified as uncertain significance.